The following is an entry in ClinVar:

NM_198578.4(LRRK2):c.6281-2A>G

Gene: LRRK2 (leucine rich repeat kinase 2; plus strand). Cytogenetic location: 12q12.
Variant type: single nucleotide variant.
Coding change: c.6281-2A>G on transcript NM_198578.4 (MANE Select); the canonical splice acceptor site of the intron before coding-DNA position 6281, A replaced by G.
Molecular consequence: splice acceptor variant.
Genome position (GRCh38, 1-based): chr12:40,348,407, A>G. VCF-style: chr12-40348407-A-G. GRCh37 (hg19) VCF-style: chr12-40742209-A-G.
Identifiers: ClinVar variation 4731394 (VCV004731394.1).

ClinVar aggregate classification (germline): Uncertain significance (1 of 4 stars; one submission).

Conditions:
Autosomal dominant Parkinson disease 8. Also called: Parkinson disease 8, susceptibility to; LRRK2-Related Parkinson Disease; Parkinson disease 8. Identifiers: Orphanet 411602, MedGen C1846862, MONDO:0011764, OMIM 607060.

gnomAD v4.1: 13 of 1,587,974 alleles (0.00082%); highest among the groups gnomAD compares: Middle Eastern, 0.018%; no homozygotes.

Submission:

Labcorp Genetics (formerly Invitae), Labcorp
Classification: Uncertain significance for Autosomal dominant Parkinson disease 8. Last evaluated: 2025-07-29. Review status: criteria provided, single submitter. Criteria: Invitae Variant Classification Sherloc (09022015). Collection method: clinical testing. Allele origin: germline.
Comment: This sequence change affects an acceptor splice site in intron 42 of the LRRK2 gene. It is expected to disrupt RNA splicing. Variants that disrupt the donor or acceptor splice site typically lead to a loss of protein function (PMID: 16199547), however the current clinical and genetic evidence is not sufficient to establish whether loss-of-function variants in LRRK2 cause disease. This variant is present in population databases (no rsID available, gnomAD 0.0009%). This variant has not been reported in the literature in individuals affected with LRRK2-related conditions. Algorithms developed to predict the effect of sequence changes on RNA splicing suggest that this variant may disrupt the consensus splice site. In summary, the available evidence is currently insufficient to determine the role of this variant in disease. Therefore, it has been classified as a Variant of Uncertain Significance.

Literature cited by the submitters: PubMed 16199547.